The following is an entry in ClinVar:

ClinVar aggregate classification (germline): Benign/Likely benign. Review status: criteria provided, multiple submitters, no conflicts (2 of 4 stars). 5 submissions from 5 submitters: Benign (3); Likely benign (2). Last evaluated 2026-06-01.

Allele frequency attached by ClinVar (database versions not stated): gnomAD exomes 0.00034 and 0.00086; ExAC 0.00115; 1000 Genomes Project 0.00339; 1000 Genomes Project 30x 0.00359; gnomAD 0.00376 and 0.00406; TOPMed 0.00430; ESP Exome Variant Server 0.00486.
gnomAD v4.1: 1,089 of 1,613,944 alleles (0.067%); highest among the groups gnomAD compares: African/African-American, 1.3%; 9 homozygotes.

Submissions (5):

CeGaT Center for Human Genetics Tuebingen
Classification: Likely benign. Last evaluated: 2026-06-01. Review status: criteria provided, single submitter. Criteria: CeGaT Center For Human Genetics Tuebingen Variant Classification Criteria Version 2. Collection method: clinical testing. Allele origin: germline. Affected: yes. Observed: 3 variant alleles.
Comment: DMXL2: BP4, BS1

Labcorp Genetics (formerly Invitae), Labcorp
Classification: Benign. Last evaluated: 2026-01-28. Review status: criteria provided, single submitter. Criteria: Invitae Variant Classification Sherloc (09022015). Collection method: clinical testing. Allele origin: germline.

Mayo Clinic Laboratories, Mayo Clinic
Classification: Benign. Last evaluated: 2025-01-21. Review status: criteria provided, single submitter. Criteria: ACMG Guidelines, 2015. Collection method: clinical testing. Allele origin: germline. Observed: 1 variant allele.
Comment: BS1, BS2, BP4_moderate

Blueprint Genetics
Classification: Likely benign. Last evaluated: 2024-07-09. Review status: criteria provided, single submitter. Criteria: ACMG Guidelines, 2015. Collection method: clinical testing. Allele origin: germline.

Breakthrough Genomics
Classification: Benign. Review status: criteria provided, single submitter. Criteria: ACMG Guidelines, 2015. Collection method: not provided. Allele origin: germline. Inheritance: Autosomal recessive inheritance. Affected: yes.

NM_001378457.1(DMXL2):c.3935T>C (p.Val1312Ala)

Gene: DMXL2 (Dmx like 2; minus strand). Cytogenetic location: 15q21.2.
Variant type: single nucleotide variant.
Coding change: c.3935T>C on transcript NM_001378457.1 (MANE Select); coding-DNA position 3935, T replaced by C.
Protein change: p.Val1312Ala; replaces valine 1312 with alanine.
Molecular consequence: missense variant. On other transcripts: non-coding transcript variant (2), intron variant (2).
Genome position (GRCh38, 1-based): chr15:51,499,289, A>G on the plus strand (T>C on the coding strand, the complement: DMXL2 is on the minus strand). VCF-style: chr15-51499289-A-G. GRCh37 (hg19) VCF-style: chr15-51791486-A-G.
Other names: p.Val1312Ala; c.3935T>C, p.Val1312Ala (NM_001174116.3, NM_001378458.1, NM_001378459.1 and 4 more transcripts); c.3695T>C, p.Val1232Ala (NM_001378464.1); c.2765-7542T>C (NM_001378460.1); c.2765-4155T>C (NM_001174117.3); c.3935T>C (NM_001174116.2); short protein forms V1312A, V1232A.
Identifiers: ClinVar variation 718200 (VCV000718200.41), dbSNP rs142580160, ClinGen allele CA7562087.